The following is an entry in ClinVar:

ClinVar aggregate classification (germline): Uncertain significance. Review status: criteria provided, multiple submitters, no conflicts (2 of 4 stars). 2 submissions from 2 submitters: Uncertain significance (2). Last evaluated 2025-08-23.

Conditions:
Inborn genetic diseases. Identifiers: MedGen C0950123, MeSH D030342.

Allele frequency attached by ClinVar (database versions not stated): TOPMed below 0.00001; gnomAD 0.00001; gnomAD exomes 0.00002; ExAC 0.00003.

Submissions (2):

Ambry Genetics
Classification: Uncertain significance for Inborn genetic diseases. Last evaluated: 2025-08-23. Review status: criteria provided, single submitter. Criteria: Ambry Variant Classification Scheme 2023. Collection method: clinical testing. Allele origin: germline.

Labcorp Genetics (formerly Invitae), Labcorp
Classification: Uncertain significance. Last evaluated: 2025-08-21. Review status: criteria provided, single submitter. Criteria: Invitae Variant Classification Sherloc (09022015). Collection method: clinical testing. Allele origin: germline.
Comment: This sequence change replaces threonine, which is neutral and polar, with methionine, which is neutral and non-polar, at codon 1346 of the ABCA4 protein (p.Thr1346Met). This variant is present in population databases (rs780550919, gnomAD 0.004%). This variant has not been reported in the literature in individuals affected with ABCA4-related conditions. ClinVar contains an entry for this variant (Variation ID: 1512314). Invitae Evidence Modeling of protein sequence and biophysical properties (such as structural, functional, and spatial information, amino acid conservation, physicochemical variation, residue mobility, and thermodynamic stability) has been performed for this missense variant. However, the output from this modeling did not meet the statistical confidence thresholds required to predict the impact of this variant on ABCA4 protein function. In summary, the available evidence is currently insufficient to determine the role of this variant in disease. Therefore, it has been classified as a Variant of Uncertain Significance.

NM_000350.3(ABCA4):c.4037C>T (p.Thr1346Met)

Gene: ABCA4 (ATP binding cassette subfamily A member 4; minus strand). Cytogenetic location: 1p22.1.
Variant type: single nucleotide variant.
Coding change: c.4037C>T on transcript NM_000350.3 (MANE Select); coding-DNA position 4037, C replaced by T.
Protein change: p.Thr1346Met; replaces threonine 1346 with methionine.
Molecular consequence: missense variant.
Genome position (GRCh38, 1-based): chr1:94,031,869, G>A on the plus strand (C>T on the coding strand, the complement: ABCA4 is on the minus strand). VCF-style: chr1-94031869-G-A. GRCh37 (hg19) VCF-style: chr1-94497425-G-A.
Other names: c.3815C>T, p.Thr1272Met (NM_001425324.1); short protein forms T1346M, T1272M.
Identifiers: ClinVar variation 1512314 (VCV001512314.8), dbSNP rs780550919, ClinGen allele CA957740.